The following is an entry in ClinVar:

ClinVar aggregate classification (germline): Pathogenic (1 of 4 stars; one submission).

Conditions:
BAP1-related tumor predisposition syndrome (TPDS1). Also called: TUMOR PREDISPOSITION SYNDROME 1; COMMON Syndrome; Tumor susceptibility linked to germline BAP1 mutations; BAP1 tumor predisposition syndrome. Identifiers: Orphanet 289539, MedGen C3280492, MONDO:0013692, OMIM 614327.

Submission:

Myriad Genetics, Inc.
Classification: Pathogenic for BAP1-related tumor predisposition syndrome. Last evaluated: 2023-12-06. Review status: criteria provided, single submitter. Criteria: Myriad Autosomal Dominant, Autosomal Recessive and X-Linked Classification Criteria (2023). Collection method: clinical testing. Allele origin: unknown.
Comment: This variant is considered pathogenic. This variant creates a frameshift predicted to result in premature protein truncation.

NM_004656.4(BAP1):c.1382delinsAA (p.Ile461fs)

Gene: BAP1 (BRCA1 associated deubiquitinase 1; minus strand). Cytogenetic location: 3p21.1.
Variant type: Indel.
Coding change: c.1382delinsAA on transcript NM_004656.4 (MANE Select); coding-DNA position 1382, T replaced by AA.
Protein change: p.Ile461fs; shifts the reading frame from isoleucine 461.
Molecular consequence: frameshift variant.
Genome position (GRCh38, 1-based): chr3:52,403,763, A replaced by TT on the plus strand (T replaced by AA on the coding strand, the reverse complement: BAP1 is on the minus strand). VCF-style: chr3-52403763-A-TT. GRCh37 (hg19) VCF-style: chr3-52437779-A-TT.
Other names: c.1328delinsAA, p.Ile443fs (NM_001410772.1); short protein forms I443fs, I461fs.
Identifiers: ClinVar variation 2674019 (VCV002674019.1), dbSNP rs2471329526, ClinGen allele CA2695197916.